The following is an entry in ClinVar:

NM_001379200.1(TBX1):c.1206_1207insGAACCCCGAGC (p.Ser403fs)

Gene: TBX1 (T-box transcription factor 1; plus strand). Cytogenetic location: 22q11.21.
Variant type: Insertion.
Coding change: c.1206_1207insGAACCCCGAGC on transcript NM_001379200.1 (MANE Select); coding-DNA positions 1206 to 1207, GAACCCCGAGC inserted.
Protein change: p.Ser403fs; shifts the reading frame from serine 403.
Molecular consequence: frameshift variant. On other transcripts: intron variant (2).
Genome position: GRCh38 VCF-style: chr22-19766557-C-CCGAACCCCGAG. GRCh37 (hg19) VCF-style: chr22-19754080-C-CCGAACCCCGAG.
Other names: c.1179_1180insGAACCCCGAGC, p.Ser394fs (NM_080647.1); c.1009+556_1009+557insGAACCCCGAGC (NM_005992.1, NM_080646.2); short protein forms S394fs, S403fs.
Identifiers: ClinVar variation 2764419 (VCV002764419.3), dbSNP rs2474263656, ClinGen allele CA2697547638.

ClinVar aggregate classification (germline): Pathogenic (1 of 4 stars; one submission).

Conditions:
DiGeorge syndrome. Also called: Catch22; THIRD AND FOURTH PHARYNGEAL POUCH SYNDROME. Identifiers: Orphanet 567, MedGen C0012236, MONDO:0008564, OMIM 188400.

Submission:

Labcorp Genetics (formerly Invitae), Labcorp
Classification: Pathogenic for DiGeorge syndrome. Last evaluated: 2023-09-29. Review status: criteria provided, single submitter. Criteria: Invitae Variant Classification Sherloc (09022015). Collection method: clinical testing. Allele origin: germline.
Comment: This sequence change creates a premature translational stop signal (p.Ser394Glufs*70) in the TBX1 gene. While this is not anticipated to result in nonsense mediated decay, it is expected to disrupt the last 102 amino acid(s) of the TBX1 protein. This variant is not present in population databases (gnomAD no frequency). This variant has not been reported in the literature in individuals affected with TBX1-related conditions. This variant disrupts a region of the TBX1 protein in which other variant(s) (p.Tyr418Phefs*42) have been determined to be pathogenic (PMID: 24637876). This suggests that this is a clinically significant region of the protein, and that variants that disrupt it are likely to be disease-causing. For these reasons, this variant has been classified as Pathogenic.

Literature cited by the submitters: PubMed 24637876.